The following is an entry in ClinVar:

ClinVar aggregate classification (germline): Pathogenic (1 of 4 stars; one submission).

Conditions:
Tuberous sclerosis 2 (TSC2). Identifiers: Orphanet 805, MedGen C1860707, MONDO:0013199, OMIM 613254.

Submission:

Labcorp Genetics (formerly Invitae), Labcorp
Classification: Pathogenic for Tuberous sclerosis 2. Last evaluated: 2018-01-24. Review status: criteria provided, single submitter. Criteria: Invitae Variant Classification Sherloc (09022015). Collection method: clinical testing. Allele origin: germline.
Comment: This sequence change creates a premature translational stop signal (p.Asp702Glyfs*3) in the TSC2 gene. It is expected to result in an absent or disrupted protein product. For these reasons, this variant has been classified as Pathogenic. Loss-of-function variants in TSC2 are known to be pathogenic (PMID: 10205261, 17304050). This variant has not been reported in the literature in individuals with TSC2-related disease. This variant is not present in population databases (ExAC no frequency).

Literature cited by the submitters: PubMed 10205261; PubMed 17304050.

NC_000016.10:g.2072241_2072247dup

Gene: TSC2 (TSC complex subunit 2; plus strand). Cytogenetic location: 16p13.3.
Variant type: Duplication.
Genome position: GRCh38 VCF-style: chr16-2072239-A-AGGAGTCT. GRCh37 (hg19) VCF-style: chr16-2122240-A-AGGAGTCT.
Identifiers: ClinVar variation 1073460 (VCV001073460.7), dbSNP rs2151315345, ClinGen allele CA2499223296.
Genomic context (GRCh38, chr16:2,072,239, plus strand): 5'-TAGCTTCCGCCTCTGTCTCTAGGGTCCAGAAGGCCCTGTCCTGACGCCTCCTCTCCTCGC[A>AGGAGTCT]GGAGTCTGACTGGAAGGTGCTGAAGCTGGTTCTGGGCAGGCTGCCTGAGTCCCTGCGCTA-3'